The following is an entry in ClinVar:

NM_001080495.3(TNRC18):c.7467G>T (p.Ala2489=)

Gene: TNRC18 (trinucleotide repeat containing 18; minus strand). Cytogenetic location: 7p22.1.
Variant type: single nucleotide variant.
Coding change: c.7467G>T on transcript NM_001080495.3 (MANE Select); coding-DNA position 7467, G replaced by T.
Protein change: p.Ala2489=; no amino-acid change (alanine 2489 retained).
Molecular consequence: synonymous variant.
Genome position (GRCh38, 1-based): chr7:5,313,424, C>A on the plus strand (G>T on the coding strand, the complement: TNRC18 is on the minus strand). VCF-style: chr7-5313424-C-A. GRCh37 (hg19) VCF-style: chr7-5353055-C-A.
Identifiers: ClinVar variation 4872967 (VCV004872967.2).
Genomic context (GRCh38, chr7:5,313,424, plus strand): 5'-GCCGGCCGCGGGGGGATAGCTGCCCAGGCTCAGGAGGCTCTTGGGCTCCTGCCAGCCCCC[C>A]GCCCCCGGATCCTCCCGGAGCAGCAGGGCCTCTTTAGCCTTCTTGCTTTTGGGTGACGTG-3'
Protein context (NP_001073964.2, residues 2479-2499): EALLLREDPG[Ala2489=]GGWQEPKSLL

ClinVar aggregate classification (germline): Likely benign (1 of 4 stars; one submission).

Submission:

CeGaT Center for Human Genetics Tuebingen
Classification: Likely benign. Last evaluated: 2026-06-01. Review status: criteria provided, single submitter. Criteria: CeGaT Center For Human Genetics Tuebingen Variant Classification Criteria Version 2. Collection method: clinical testing. Allele origin: germline. Affected: yes. Observed: 1 variant allele.
Comment: TNRC18: BP4, BP7